The following is an entry in ClinVar:

NM_033026.6(PCLO):c.4348G>A (p.Glu1450Lys)

Gene: PCLO (piccolo presynaptic cytomatrix protein; minus strand). Cytogenetic location: 7q21.11.
Variant type: single nucleotide variant.
Coding change: c.4348G>A on transcript NM_033026.6 (MANE Select); coding-DNA position 4348, G replaced by A.
Protein change: p.Glu1450Lys; replaces glutamic acid 1450 with lysine.
Molecular consequence: missense variant.
Genome position (GRCh38, 1-based): chr7:82,956,605, C>T on the plus strand (G>A on the coding strand, the complement: PCLO is on the minus strand). VCF-style: chr7-82956605-C-T. GRCh37 (hg19) VCF-style: chr7-82585921-C-T.
Other names: c.4348G>A, p.Glu1450Lys (NM_014510.3); short protein forms E1450K.
Identifiers: ClinVar variation 4706478 (VCV004706478.1).

ClinVar aggregate classification (germline): Uncertain significance (1 of 4 stars; one submission).

gnomAD v4.1: 19 of 1,613,602 alleles (0.0012%); highest among the groups gnomAD compares: Admixed American, 0.0017%; no homozygotes.

Submission:

Labcorp Genetics (formerly Invitae), Labcorp
Classification: Uncertain significance. Last evaluated: 2025-05-12. Review status: criteria provided, single submitter. Criteria: Invitae Variant Classification Sherloc (09022015). Collection method: clinical testing. Allele origin: germline.
Comment: This sequence change replaces glutamic acid, which is acidic and polar, with lysine, which is basic and polar, at codon 1450 of the PCLO protein (p.Glu1450Lys). This variant is present in population databases (rs775245830, gnomAD 0.003%). This variant has not been reported in the literature in individuals affected with PCLO-related conditions. Experimental studies and prediction algorithms are not available or were not evaluated, and the functional significance of this variant is currently unknown. In summary, the available evidence is currently insufficient to determine the role of this variant in disease. Therefore, it has been classified as a Variant of Uncertain Significance.